The following is an entry in ClinVar:

NM_033100.4(CDHR1):c.147T>C (p.Pro49=)

Gene: CDHR1 (cadherin related family member 1; plus strand). Cytogenetic location: 10q23.1.
Variant type: single nucleotide variant.
Coding change: c.147T>C on transcript NM_033100.4 (MANE Select); coding-DNA position 147, T replaced by C.
Protein change: p.Pro49=; no amino-acid change (proline 49 retained).
Molecular consequence: synonymous variant.
Genome position (GRCh38, 1-based): chr10:84,195,585, T>C. VCF-style: chr10-84195585-T-C. GRCh37 (hg19) VCF-style: chr10-85955341-T-C.
Other names: c.147T>C, p.Pro49= (NM_001171971.3); c.147T>C (NM_033100.3).
Identifiers: ClinVar variation 1149417 (VCV001149417.11), dbSNP rs141446938, ClinGen allele CA5579416.

ClinVar aggregate classification (germline): Likely benign. Review status: criteria provided, multiple submitters, no conflicts (2 of 4 stars). 3 submissions from 3 submitters: Likely benign (3). Last evaluated 2025-01-09.

Conditions:
CDHR1-related disorder. Also called: CDHR1-related condition.

Allele frequency attached by ClinVar (database versions not stated): ExAC 0.00003; gnomAD 0.00003; gnomAD exomes 0.00003 and 0.00005; TOPMed 0.00008; ESP Exome Variant Server 0.00015.
gnomAD v4.1: 76 of 1,613,288 alleles (0.0047%); highest among the groups gnomAD compares: Non-Finnish European, 0.0061%; no homozygotes.

Submissions (3):

Labcorp Genetics (formerly Invitae), Labcorp
Classification: Likely benign. Last evaluated: 2025-01-09. Review status: criteria provided, single submitter. Criteria: Invitae Variant Classification Sherloc (09022015). Collection method: clinical testing. Allele origin: germline.

PreventionGenetics, part of Exact Sciences
Classification: Likely benign for CDHR1-related condition. Last evaluated: 2024-10-31. Review status: criteria provided, single submitter. Criteria: ACMG Guidelines, 2015. Collection method: clinical testing. Allele origin: germline.
Comment: This variant is classified as likely benign based on ACMG/AMP sequence variant interpretation guidelines (Richards et al. 2015 PMID: 25741868, with internal and published modifications).

Blueprint Genetics
Classification: Likely benign. Last evaluated: 2021-08-04. Review status: criteria provided, single submitter. Criteria: ACMG Guidelines, 2015. Collection method: clinical testing. Allele origin: germline.